The following is an entry in ClinVar:

NM_004722.4(AP4M1):c.862G>C (p.Asp288His)

Gene: AP4M1 (adaptor related protein complex 4 subunit mu 1; plus strand). Cytogenetic location: 7q22.1.
Variant type: single nucleotide variant.
Coding change: c.862G>C on transcript NM_004722.4 (MANE Select); coding-DNA position 862, G replaced by C.
Protein change: p.Asp288His; replaces aspartic acid 288 with histidine.
Molecular consequence: missense variant.
Genome position (GRCh38, 1-based): chr7:100,105,472, G>C. VCF-style: chr7-100105472-G-C. GRCh37 (hg19) VCF-style: chr7-99703095-G-C.
Other names: c.883G>C, p.Asp295His (NM_001363671.2); short protein forms D288H, D295H.
Identifiers: ClinVar variation 1517947 (VCV001517947.9), dbSNP rs767611212, ClinGen allele CA4374837.

ClinVar aggregate classification (germline): Uncertain significance (1 of 4 stars; one submission).

Conditions:
Hereditary spastic paraplegia 50 (SPG50). Also called: Spastic paraplegia 50, autosomal recessive. Identifiers: Orphanet 280763, MedGen C2752008, MONDO:0013048, OMIM 612936.

Allele frequency attached by ClinVar (database versions not stated): gnomAD exomes below 0.00001; ExAC 0.00001; gnomAD 0.00001.
gnomAD v4.1: 2 of 1,613,876 alleles (0.00012%); no homozygotes.

Submission:

Labcorp Genetics (formerly Invitae), Labcorp
Classification: Uncertain significance for Hereditary spastic paraplegia 50. Last evaluated: 2021-12-02. Review status: criteria provided, single submitter. Criteria: Invitae Variant Classification Sherloc (09022015). Collection method: clinical testing. Allele origin: germline.
Comment: This variant has not been reported in the literature in individuals affected with AP4M1-related conditions. This variant is present in population databases (rs767611212, gnomAD 0.01%). This sequence change replaces aspartic acid, which is acidic and polar, with histidine, which is basic and polar, at codon 288 of the AP4M1 protein (p.Asp288His). Algorithms developed to predict the effect of missense changes on protein structure and function (SIFT, PolyPhen-2, Align-GVGD) all suggest that this variant is likely to be disruptive. In summary, the available evidence is currently insufficient to determine the role of this variant in disease. Therefore, it has been classified as a Variant of Uncertain Significance.